The following is an entry in ClinVar:

NM_001999.4(FBN2):c.829G>A (p.Val277Ile)

Gene: FBN2 (fibrillin 2; minus strand). Cytogenetic location: 5q23.3.
Variant type: single nucleotide variant.
Coding change: c.829G>A on transcript NM_001999.4 (MANE Select); coding-DNA position 829, G replaced by A.
Protein change: p.Val277Ile; replaces valine 277 with isoleucine.
Molecular consequence: missense variant.
Genome position (GRCh38, 1-based): chr5:128,446,604, C>T on the plus strand (G>A on the coding strand, the complement: FBN2 is on the minus strand). VCF-style: chr5-128446604-C-T. GRCh37 (hg19) VCF-style: chr5-127782297-C-T.
Other names: short protein forms V277I.
Identifiers: ClinVar variation 213259 (VCV000213259.79), dbSNP rs146849637, ClinGen allele CA319932.

ClinVar aggregate classification (germline): Benign/Likely benign. Review status: criteria provided, multiple submitters, no conflicts (2 of 4 stars). 19 submissions from 19 submitters: Benign (3); Likely benign (11). 5 of the submissions do not count toward it. Last evaluated 2026-09-01.

Conditions:
Ehlers-Danlos syndrome (EDS). Identifiers: Orphanet 98249, MedGen C0013720, MONDO:0020066.
FBN2-related disorder. Also called: FBN2-related condition.
Loeys-Dietz syndrome (LDS). Identifiers: Orphanet 60030, MedGen C2697932, MONDO:0018954.
Familial thoracic aortic aneurysm and aortic dissection (TAAD). Also called: Thoracic aortic aneurysms and dissections. Identifiers: Orphanet 91387, MedGen C4707243, MONDO:0019625.
Congenital contractural arachnodactyly (CCA). Also called: Arthrogryposis, distal, type 9; Beals-Hecht syndrome; BEALS SYNDROME. Identifiers: Orphanet 115, MedGen C0220668, MONDO:0007363, OMIM 121050.

Allele frequency attached by ClinVar (database versions not stated): 1000 Genomes Project 30x 0.00094; 1000 Genomes Project 0.00100; gnomAD exomes 0.00168 and 0.00351; ExAC 0.00181; TOPMed 0.00190; gnomAD 0.00204 and 0.00210; ESP Exome Variant Server 0.00292.
gnomAD v4.1: 5,402 of 1,613,522 alleles (0.33%); highest among the groups gnomAD compares: Non-Finnish European, 0.43%; 17 homozygotes.

Submissions (19):

CeGaT Center for Human Genetics Tuebingen
Classification: Likely benign. Last evaluated: 2026-09-01. Review status: criteria provided, single submitter. Criteria: CeGaT Center For Human Genetics Tuebingen Variant Classification Criteria Version 2. Collection method: clinical testing. Allele origin: germline. Affected: yes. Observed: 16 variant alleles.
Comment: FBN2: BS2

Labcorp Genetics (formerly Invitae), Labcorp
Classification: Likely benign for Congenital contractural arachnodactyly. Last evaluated: 2026-02-03. Review status: criteria provided, single submitter. Criteria: Invitae Variant Classification Sherloc (09022015). Collection method: clinical testing. Allele origin: germline.

ARUP Laboratories, Molecular Genetics and Genomics, ARUP Laboratories
Classification: Benign. Last evaluated: 2025-03-03. Review status: criteria provided, single submitter. Criteria: ARUP Molecular Germline Variant Investigation Process 2024. Collection method: clinical testing. Allele origin: germline.

GeneDx
Classification: Likely benign. Last evaluated: 2024-12-04. Review status: criteria provided, single submitter. Criteria: GeneDx Variant Classification Process June 2021. Collection method: clinical testing. Allele origin: germline. Affected: yes.
Comment: See Variant Classification Assertion Criteria.

Blueprint Genetics
Classification: Likely benign. Last evaluated: 2024-11-20. Review status: criteria provided, single submitter. Criteria: ACMG Guidelines, 2015. Collection method: clinical testing. Allele origin: germline.

Mayo Clinic Laboratories, Mayo Clinic
Classification: Benign. Last evaluated: 2024-10-02. Review status: criteria provided, single submitter. Criteria: ACMG Guidelines, 2015. Collection method: clinical testing. Allele origin: germline. Observed: 8 variant alleles.
Comment: BS1, BS2

Molecular Genetics, Royal Melbourne Hospital
Classification: Likely benign for Congenital contractural arachnodactyly. Last evaluated: 2024-04-07. Review status: criteria provided, single submitter. Criteria: ACMG Guidelines, 2015. Collection method: clinical testing. Allele origin: germline. Inheritance: Autosomal dominant inheritance. Affected: no.

Women's Health and Genetics/Laboratory Corporation of America, LabCorp
Classification: Likely benign. Last evaluated: 2023-07-30. Review status: criteria provided, single submitter. Criteria: LabCorp Variant Classification Summary - May 2015. Collection method: clinical testing. Allele origin: germline.

Genome Diagnostics Laboratory, The Hospital for Sick Children
Classification: Likely benign for Ehlers-Danlos syndrome. Last evaluated: 2022-06-14. Review status: criteria provided, single submitter. Criteria: ACMG Guidelines, 2015. Collection method: clinical testing. Allele origin: germline.

Mendelics
Classification: Likely benign for Congenital contractural arachnodactyly. Last evaluated: 2019-05-28. Review status: criteria provided, single submitter. Criteria: Mendelics Assertion Criteria 2017. Collection method: clinical testing. Allele origin: unknown.

Ambry Genetics
Classification: Likely benign for Familial thoracic aortic aneurysm and aortic dissection. Last evaluated: 2018-06-11. Review status: criteria provided, single submitter. Criteria: Ambry Variant Classification Scheme 2023. Collection method: clinical testing. Allele origin: germline.

Illumina Laboratory Services, Illumina
Classification: Benign for Congenital contractural arachnodactyly. Last evaluated: 2018-01-12. Review status: criteria provided, single submitter. Criteria: ICSL Variant Classification Criteria 13 December 2019. Collection method: clinical testing. Allele origin: germline.
Comment: This variant was observed in the ICSL laboratory as part of a predisposition screen in an ostensibly healthy population. It had not been previously curated by ICSL or reported in the Human Gene Mutation Database (HGMD: prior to June 1st, 2018), and was therefore a candidate for classification through an automated scoring system. Utilizing variant allele frequency, disease prevalence and penetrance estimates, and inheritance mode, an automated score was calculated to assess if this variant is too frequent to cause the disease. Based on the score and internal cut-off values, a variant classified as benign is not then subjected to further curation. The score for this variant resulted in a classification of benign for this disease.

Center for Pediatric Genomic Medicine, Children's Mercy Hospital and Clinics
Classification: Likely benign. Last evaluated: 2017-06-13. Review status: criteria provided, single submitter. Criteria: ACMG Guidelines, 2015. Collection method: clinical testing. Allele origin: germline.

Genetic Services Laboratory, University of Chicago
Classification: Likely benign. Last evaluated: 2016-04-15. Review status: criteria provided, single submitter. Criteria: ACMG Guidelines, 2015. Collection method: clinical testing. Allele origin: germline. Affected: no.

PreventionGenetics, part of Exact Sciences
Classification: Benign for FBN2-related condition. Last evaluated: 2020-08-04. Review status: no assertion criteria provided. Collection method: clinical testing. Allele origin: germline. Not counted in ClinVar's aggregate classification.
Comment: This variant is classified as benign based on ACMG/AMP sequence variant interpretation guidelines (Richards et al. 2015 PMID: 25741868, with internal and published modifications).

Clinical Molecular Genetics Laboratory, Johns Hopkins All Children's Hospital
Classification: Uncertain significance for Loeys-Dietz syndrome. Last evaluated: 2017-03-30. Review status: no assertion criteria provided. Collection method: clinical testing. Allele origin: germline. Affected: yes. Not counted in ClinVar's aggregate classification.

Genome Diagnostics Laboratory, Amsterdam University Medical Center
Classification: Likely benign. Review status: no assertion criteria provided. Collection method: clinical testing. Allele origin: germline. Affected: yes. Study: VKGL Data-share Consensus. Not counted in ClinVar's aggregate classification.

Genome Diagnostics Laboratory, University Medical Center Utrecht
Classification: Likely benign. Review status: no assertion criteria provided. Collection method: clinical testing. Allele origin: germline. Affected: yes. Study: VKGL Data-share Consensus. Not counted in ClinVar's aggregate classification.

Laboratory of Diagnostic Genome Analysis, Leiden University Medical Center (LUMC)
Classification: Benign. Review status: no assertion criteria provided. Collection method: clinical testing. Allele origin: germline. Affected: yes. Study: VKGL Data-share Consensus. Not counted in ClinVar's aggregate classification.